The following is an entry in ClinVar:

NM_017514.5(PLXNA3):c.4221-9T>C

Gene: PLXNA3 (plexin A3; plus strand). Cytogenetic location: Xq28.
Variant type: single nucleotide variant.
Coding change: c.4221-9T>C on transcript NM_017514.5 (MANE Select); 9 bases into the intron before coding-DNA position 4221, T replaced by C.
Molecular consequence: intron variant.
Genome position (GRCh38, 1-based): chrX:154,468,654, T>C. VCF-style: chrX-154468654-T-C. GRCh37 (hg19) VCF-style: chrX-153696997-T-C.
Identifiers: ClinVar variation 4999231 (VCV004999231.1).
Genomic context (GRCh38, chrX:154,468,654, plus strand): 5'-TCCTGCCTGGGCCTGCCCCCTGTCCAAGCCCCACCCCTGCCAGGCCCGAGCCCCCTTCTC[T>C]TGCCCTAGGACAGAGTCAGTGGCTGAGAAGATGCTTACCAACTGGTTCACGTTCCTGCTG-3'

ClinVar aggregate classification (germline): Likely benign (1 of 4 stars; one submission).

Conditions:
PLXNA3-related disorder. Also called: PLXNA3-related condition.

Submission:

PreventionGenetics, part of Exact Sciences
Classification: Likely benign for PLXNA3-related condition. Last evaluated: 2025-05-06. Review status: criteria provided, single submitter. Criteria: ACMG Guidelines, 2015. Collection method: clinical testing. Allele origin: germline.
Comment: This variant is classified as likely benign based on ACMG/AMP sequence variant interpretation guidelines (Richards et al. 2015 PMID: 25741868, with internal and published modifications).